The following is an entry in ClinVar:

ClinVar aggregate classification (germline): Pathogenic. Review status: reviewed by expert panel (3 of 4 stars). 10 submissions from 10 submitters: Pathogenic (1). 9 of the submissions do not count toward it. Last evaluated 2016-09-08.

Conditions:
Hereditary cancer-predisposing syndrome. Also called: Tumor predisposition; Neoplastic Syndromes, Hereditary; Hereditary neoplastic syndrome; Hereditary Cancer Syndrome. Identifiers: Orphanet 140162, MedGen C0027672, MeSH D009386, MONDO:0015356.
Hereditary breast ovarian cancer syndrome. Also called: Hereditary breast and ovarian cancer; Hereditary breast and ovarian cancer syndrome (HBOC); Hereditary breast and/or ovarian cancer syndrome; Breast and ovarian cancer; Hereditary breast and ovarian cancer syndrome; BRCA1- and BRCA2-Associated Hereditary Breast and Ovarian Cancer. Identifiers: Orphanet 145, MedGen C0677776, MeSH D061325, MONDO:0003582. Disease mechanism: loss of function.
Breast-ovarian cancer, familial, susceptibility to, 2 (BROVCA2). Also called: BRCA2 Hereditary Breast and Ovarian Cancer. Identifiers: Orphanet 145, MedGen C2675520, MONDO:0012933, OMIM 612555. Disease mechanism: loss of function.
Familial cancer of breast. Also called: Hereditary breast cancer; BREAST CANCER, FAMILIAL; hereditary breast carcinoma. Identifiers: Orphanet 227535, MedGen C0346153, MONDO:0016419, OMIM 114480. Disease mechanism: loss of function.

Submissions (10):

Evidence-based Network for the Interpretation of Germline Mutant Alleles (ENIGMA)
Classification: Pathogenic for Breast-ovarian cancer, familial, susceptibility to, 2. Last evaluated: 2016-09-08. Review status: reviewed by expert panel. Criteria: ENIGMA BRCA1/2 Classification Criteria (2015). Collection method: curation. Allele origin: germline.
Comment: Variant allele predicted to encode a truncated non-functional protein.

Mayo Clinic Laboratories, Mayo Clinic
Classification: Pathogenic. Last evaluated: 2025-07-14. Review status: criteria provided, single submitter. Criteria: ACMG Guidelines, 2015. Collection method: clinical testing. Allele origin: germline. Observed: 1 variant allele. Not counted in ClinVar's aggregate classification.
Comment: PM2_supporting, PM5_strong, PVS1

Labcorp Genetics (formerly Invitae), Labcorp
Classification: Pathogenic for Hereditary breast ovarian cancer syndrome. Last evaluated: 2024-06-10. Review status: criteria provided, single submitter. Criteria: Invitae Variant Classification Sherloc (09022015). Collection method: clinical testing. Allele origin: germline. Not counted in ClinVar's aggregate classification.
Comment: This sequence change creates a premature translational stop signal (p.Lys230*) in the BRCA2 gene. It is expected to result in an absent or disrupted protein product. Loss-of-function variants in BRCA2 are known to be pathogenic (PMID: 20104584). This variant is not present in population databases (gnomAD no frequency). This premature translational stop signal has been observed in individual(s) with BRCA2-related conditions (PMID: 10923033, 21520333). ClinVar contains an entry for this variant (Variation ID: 38072). For these reasons, this variant has been classified as Pathogenic.

Ambry Genetics
Classification: Pathogenic for Hereditary cancer-predisposing syndrome. Last evaluated: 2024-03-21. Review status: criteria provided, single submitter. Criteria: Ambry Variant Classification Scheme 2023. Collection method: clinical testing. Allele origin: germline. Not counted in ClinVar's aggregate classification.
Comment: The p.K230* pathogenic mutation (also known as c.688A>T), located in coding exon 8 of the BRCA2 gene, results from an A to T substitution at nucleotide position 688. This changes the amino acid from a lysine to a stop codon within coding exon 8. This variant is considered to be rare based on population cohorts in the Genome Aggregation Database (gnomAD). This alteration is expected to result in loss of function by premature protein truncation or nonsense-mediated mRNA decay. As such, this alteration is interpreted as a disease-causing mutation.

Baylor Genetics
Classification: Pathogenic for Familial cancer of breast. Last evaluated: 2022-03-29. Review status: criteria provided, single submitter. Criteria: ACMG Guidelines, 2015. Collection method: clinical testing. Allele origin: unknown. Not counted in ClinVar's aggregate classification.

Color Diagnostics, LLC DBA Color Health
Classification: Pathogenic for Hereditary cancer-predisposing syndrome. Last evaluated: 2020-01-07. Review status: criteria provided, single submitter. Criteria: ACMG Guidelines, 2015. Collection method: clinical testing. Allele origin: germline. Not counted in ClinVar's aggregate classification.
Comment: This variant changes 1 nucleotide in exon 9 of the BRCA2 gene, creating a premature translation stop signal. This variant is expected to result in an absent or non-functional protein product. Splice site prediction tools suggest that this variant may not impact RNA splicing. To our knowledge, functional studies have not been performed for this variant. This variant has not been reported in individuals affected with hereditary cancer in the literature. This variant has not been identified in the general population by the Genome Aggregation Database (gnomAD). Loss of BRCA2 function is a known mechanism of disease. Based on the available evidence, this variant is classified as Pathogenic.

Department of Pathology and Molecular Medicine, Queen's University
Classification: Pathogenic for Hereditary breast ovarian cancer syndrome. Last evaluated: 2017-04-20. Review status: criteria provided, single submitter. Criteria: ACMG Guidelines, 2015. Collection method: clinical testing. Allele origin: germline. Study: The Canadian Open Genetics Repository (COGR). Not counted in ClinVar's aggregate classification.

Research Molecular Genetics Laboratory, Women's College Hospital, University of Toronto
Classification: Pathogenic for Hereditary breast ovarian cancer syndrome. Last evaluated: 2014-01-31. Review status: no assertion criteria provided. Collection method: research. Allele origin: germline. Affected: yes. Study: The Canadian Open Genetics Repository (COGR). Not counted in ClinVar's aggregate classification.

Sharing Clinical Reports Project (SCRP)
Classification: Pathogenic for Breast-ovarian cancer, familial 2. Last evaluated: 2010-03-29. Review status: no assertion criteria provided. Collection method: clinical testing. Allele origin: germline. Not counted in ClinVar's aggregate classification.

Breast Cancer Information Core (BIC) (BRCA2)
Classification: Pathogenic for Breast-ovarian cancer, familial 2. Last evaluated: 2003-12-23. Review status: no assertion criteria provided. Collection method: clinical testing. Allele origin: germline. Affected: yes. Observed: 2 variant alleles. Not counted in ClinVar's aggregate classification.

Literature cited by the submitters: PubMed 20104584 (cited by Labcorp Genetics (formerly Invitae), Labcorp); PubMed 10923033 (cited by Labcorp Genetics (formerly Invitae), Labcorp); PubMed 21520333 (cited by Labcorp Genetics (formerly Invitae), Labcorp).

NM_000059.4(BRCA2):c.688A>T (p.Lys230Ter)

Gene: BRCA2 (BRCA2 DNA repair associated; plus strand). Cytogenetic location: 13q13.1.
Variant type: single nucleotide variant.
Coding change: c.688A>T on transcript NM_000059.4 (MANE Select); coding-DNA position 688, A replaced by T.
Protein change: p.Lys230Ter; replaces lysine 230 with a stop codon.
Molecular consequence: nonsense.
Genome position (GRCh38, 1-based): chr13:32,330,925, A>T. VCF-style: chr13-32330925-A-T. GRCh37 (hg19) VCF-style: chr13-32905062-A-T.
Other names: p.Lys230*; 916A>T; short protein forms K230*.
Identifiers: ClinVar variation 38072 (VCV000038072.20), dbSNP rs80358913, ClinGen allele CA024542.